The following is an entry in ClinVar:

ClinVar aggregate classification (germline): Uncertain significance (1 of 4 stars; one submission).

Allele frequency attached by ClinVar (database versions not stated): gnomAD exomes below 0.00001.
gnomAD v4.1: 2 of 1,613,380 alleles (0.00012%); highest among the groups gnomAD compares: Non-Finnish European, 0.00017%; no homozygotes.

Submission:

CeGaT Center for Human Genetics Tuebingen
Classification: Uncertain significance. Last evaluated: 2023-03-01. Review status: criteria provided, single submitter. Criteria: CeGaT Center For Human Genetics Tuebingen Variant Classification Criteria Version 2. Collection method: clinical testing. Allele origin: germline. Affected: yes. Observed: 1 variant allele.
Comment: SRRM2: PM2, BP4

NM_016333.4(SRRM2):c.1282A>G (p.Thr428Ala)

Gene: SRRM2 (serine/arginine repetitive matrix 2; plus strand). Cytogenetic location: 16p13.3.
Variant type: single nucleotide variant.
Coding change: c.1282A>G on transcript NM_016333.4 (MANE Select); coding-DNA position 1282, A replaced by G.
Protein change: p.Thr428Ala; replaces threonine 428 with alanine.
Molecular consequence: missense variant.
Genome position (GRCh38, 1-based): chr16:2,761,810, A>G. VCF-style: chr16-2761810-A-G. GRCh37 (hg19) VCF-style: chr16-2811811-A-G.
Other names: short protein forms T428A.
Identifiers: ClinVar variation 2646068 (VCV002646068.24), dbSNP rs2505602333, ClinGen allele CA394408566.